The following is an entry in ClinVar:

ClinVar aggregate classification (germline): Uncertain significance (1 of 4 stars; one submission).

Submission:

Labcorp Genetics (formerly Invitae), Labcorp
Classification: Uncertain significance. Last evaluated: 2025-08-03. Review status: criteria provided, single submitter. Criteria: Invitae Variant Classification Sherloc (09022015). Collection method: clinical testing. Allele origin: germline.
Comment: This sequence change replaces isoleucine, which is neutral and non-polar, with phenylalanine, which is neutral and non-polar, at codon 112 of the RFWD3 protein (p.Ile112Phe). This variant is not present in population databases (gnomAD no frequency). This variant has not been reported in the literature in individuals affected with RFWD3-related conditions. An algorithm developed to predict the effect of missense changes on protein structure and function (PolyPhen-2) suggests that this variant is likely to be tolerated. In summary, the available evidence is currently insufficient to determine the role of this variant in disease. Therefore, it has been classified as a Variant of Uncertain Significance.

NM_018124.4(RFWD3):c.334A>T (p.Ile112Phe)

Gene: RFWD3 (ring finger and WD repeat domain 3; minus strand). Cytogenetic location: 16q23.1.
Variant type: single nucleotide variant.
Coding change: c.334A>T on transcript NM_018124.4 (MANE Select); coding-DNA position 334, A replaced by T.
Protein change: p.Ile112Phe; replaces isoleucine 112 with phenylalanine.
Molecular consequence: missense variant. On other transcripts: 5 prime UTR variant (4), intron variant (1).
Genome position (GRCh38, 1-based): chr16:74,661,116, T>A on the plus strand (A>T on the coding strand, the complement: RFWD3 is on the minus strand). VCF-style: chr16-74661116-T-A. GRCh37 (hg19) VCF-style: chr16-74695014-T-A.
Other names: c.334A>T, p.Ile112Phe (NM_001370534.1, NM_001370535.1, NM_001370536.1); c.-675A>T (NM_001370537.1); c.-298A>T (NM_001370539.1); c.-552A>T (NM_001370542.1); c.-430A>T (NM_001370543.1); c.-317+3508A>T (NM_001370540.1); short protein forms I112F.
Identifiers: ClinVar variation 4724742 (VCV004724742.1).
Genomic context (GRCh38, chr16:74,661,116, plus strand): 5'-CATGAAGTCTCTGCAGTCCGCTGATGAAGTTGGTCATTGAATGCAACGAAGATGCTGGGA[T>A]GGTGTGATTACCATCAGATCCCTGCCTATGTTGTTCTGAAGTTCTTGGATTGATGTTCTC-3'
Protein context (NP_060594.3, residues 102-122): HRQGSDGNHT[Ile112Phe]PASSLHSMTN